The following is an entry in ClinVar:

NM_000138.5(FBN1):c.1951G>A (p.Val651Met)

Gene: FBN1 (fibrillin 1; minus strand). Cytogenetic location: 15q21.1.
Variant type: single nucleotide variant.
Coding change: c.1951G>A on transcript NM_000138.5 (MANE Select); coding-DNA position 1951, G replaced by A.
Protein change: p.Val651Met; replaces valine 651 with methionine.
Molecular consequence: missense variant.
Genome position (GRCh38, 1-based): chr15:48,505,034, C>T on the plus strand (G>A on the coding strand, the complement: FBN1 is on the minus strand). VCF-style: chr15-48505034-C-T. GRCh37 (hg19) VCF-style: chr15-48797231-C-T.
Other names: short protein forms V651M.
Identifiers: ClinVar variation 1177272 (VCV001177272.9), dbSNP rs1335043561, ClinGen allele CA392338974.

ClinVar aggregate classification (germline): Uncertain significance. Review status: criteria provided, multiple submitters, no conflicts (2 of 4 stars). 4 submissions from 4 submitters: Uncertain significance (4). Last evaluated 2026-06-17.

Conditions:
Familial thoracic aortic aneurysm and aortic dissection (TAAD). Also called: Thoracic aortic aneurysms and dissections. Identifiers: Orphanet 91387, MedGen C4707243, MONDO:0019625.
Marfan syndrome (MFS). Also called: Marfan syndrome type 1; Marfan's syndrome; Marfan syndrome, classic; MARFAN SYNDROME, TYPE I; FBN1-Related Marfan Syndrome. Identifiers: Orphanet 284963, Orphanet 558, MedGen C0024796, MONDO:0007947, OMIM 154700.

Allele frequency attached by ClinVar (database versions not stated): gnomAD 0.00003 and 0.00004; TOPMed 0.00001.
gnomAD v4.1: 6 of 1,614,040 alleles (0.00037%); highest among the groups gnomAD compares: African/African-American, 0.0027%; no homozygotes.

Submissions (4):

GeneDx
Classification: Uncertain significance. Last evaluated: 2026-06-17. Review status: criteria provided, single submitter. Criteria: GeneDx Variant Classification Process June 2021. Collection method: clinical testing. Allele origin: germline.
Comment: Has not been previously published as pathogenic or benign to our knowledge; Does not affect a cysteine or calcium-binding residue within an EGF-like domain or a TGF-binding protein domain of the FBN1 gene; cysteine substitutions in the EGF-like domains represent the majority of pathogenic missense changes associated with FBN1-related disorders (PMID: 12938084); In silico analysis suggests that this missense variant does not alter protein structure/function; This variant is associated with the following publications: (PMID: 12938084)

Labcorp Genetics (formerly Invitae), Labcorp
Classification: Uncertain significance for Marfan syndrome; Familial thoracic aortic aneurysm and aortic dissection. Last evaluated: 2025-03-10. Review status: criteria provided, single submitter. Criteria: Invitae Variant Classification Sherloc (09022015). Collection method: clinical testing. Allele origin: germline.
Comment: This sequence change replaces valine, which is neutral and non-polar, with methionine, which is neutral and non-polar, at codon 651 of the FBN1 protein (p.Val651Met). This variant is present in population databases (no rsID available, gnomAD 0.01%). This missense change has been observed in individual(s) with clinical features of FBN1-related conditions (internal data). ClinVar contains an entry for this variant (Variation ID: 1177272). Invitae Evidence Modeling of protein sequence and biophysical properties (such as structural, functional, and spatial information, amino acid conservation, physicochemical variation, residue mobility, and thermodynamic stability) has been performed for this missense variant. However, the output from this modeling did not meet the statistical confidence thresholds required to predict the impact of this variant on FBN1 protein function. In summary, the available evidence is currently insufficient to determine the role of this variant in disease. Therefore, it has been classified as a Variant of Uncertain Significance.

Color Diagnostics, LLC DBA Color Health
Classification: Uncertain significance for Familial thoracic aortic aneurysm and aortic dissection. Last evaluated: 2024-07-23. Review status: criteria provided, single submitter. Criteria: ACMG Guidelines, 2015. Collection method: clinical testing. Allele origin: germline.
Comment: This missense variant replaces valine with methionine at codon 651 of the FBN1 protein. Computational prediction is inconclusive regarding the impact of this variant on protein structure and function. To our knowledge, functional studies have not been reported for this variant. This variant has not been reported in individuals affected with FBN1-related disorders in the literature. This variant has been identified in 2/31396 chromosomes in the general population by the Genome Aggregation Database (gnomAD). The available evidence is insufficient to determine the role of this variant in disease conclusively. Therefore, this variant is classified as a Variant of Uncertain Significance.

Women's Health and Genetics/Laboratory Corporation of America, LabCorp
Classification: Uncertain significance. Last evaluated: 2021-06-28. Review status: criteria provided, single submitter. Criteria: LabCorp Variant Classification Summary - May 2015. Collection method: clinical testing. Allele origin: germline.
Comment: Variant summary: FBN1 c.1951G>A (p.Val651Met) results in a conservative amino acid change located in the EGF-like domain (IPR000742) of the encoded protein sequence. Four of five in-silico tools predict a damaging effect of the variant on protein function. The variant was absent in 251440 control chromosomes. The available data on variant occurrences in the general population are insufficient to allow any conclusion about variant significance. To our knowledge, no occurrence of c.1951G>A in individuals affected with Marfan Syndrome and no experimental evidence demonstrating its impact on protein function have been reported. No clinical diagnostic laboratories have submitted clinical-significance assessments for this variant to ClinVar after 2014. Based on the evidence outlined above, the variant was classified as uncertain significance.